The following is an entry in ClinVar:

ClinVar aggregate classification (germline): Uncertain significance. Review status: criteria provided, multiple submitters, no conflicts (2 of 4 stars). 2 submissions from 2 submitters: Uncertain significance (2). Last evaluated 2026-01-12.

Conditions:
Arrhythmogenic right ventricular dysplasia 12. Also called: ARRHYTHMOGENIC RIGHT VENTRICULAR DYSPLASIA, FAMILIAL, 12. Identifiers: MedGen C1969081, MONDO:0012684, OMIM 611528.
Naxos disease (NXD). Also called: KERATOSIS PALMOPLANTARIS WITH ARRHYTHMOGENIC CARDIOMYOPATHY; MAL DE NAXOS; PALMOPLANTAR KERATODERMA WITH ARRHYTHMOGENIC RIGHT VENTRICULAR CARDIOMYOPATHY AND WOOLLY HAIR; WOOLLY HAIR, PALMOPLANTAR KERATODERMA, AND CARDIAC ABNORMALITIES; CARDIOMYOPATHY, ARRHYTHMOGENIC RIGHT VENTRICULAR, WITH SKIN, HAIR, AND NAIL ABNORMALITIES. Identifiers: Orphanet 34217, MedGen C1832600, MONDO:0011017, OMIM 601214.
Cardiovascular phenotype. Identifiers: MedGen CN230736.

Submissions (2):

Labcorp Genetics (formerly Invitae), Labcorp
Classification: Uncertain significance for Arrhythmogenic right ventricular dysplasia 12; Naxos disease. Last evaluated: 2026-01-12. Review status: criteria provided, single submitter. Criteria: Invitae Variant Classification Sherloc (09022015). Collection method: clinical testing. Allele origin: germline.
Comment: This variant, c.542_556dup, results in the insertion of 5 amino acid(s) of the JUP protein (p.Gly181_Leu185dup), but otherwise preserves the integrity of the reading frame. This variant is not present in population databases (gnomAD no frequency). This variant has not been reported in the literature in individuals affected with JUP-related conditions. ClinVar contains an entry for this variant (Variation ID: 536628). Experimental studies and prediction algorithms are not available or were not evaluated, and the functional significance of this variant is currently unknown. In summary, the available evidence is currently insufficient to determine the role of this variant in disease. Therefore, it has been classified as a Variant of Uncertain Significance.

Ambry Genetics
Classification: Uncertain significance for Cardiovascular phenotype. Last evaluated: 2025-02-21. Review status: criteria provided, single submitter. Criteria: Ambry Variant Classification Scheme 2023. Collection method: clinical testing. Allele origin: germline.
Comment: The c.542_556dup15 variant (also known as p.G181_L185dup), located in coding exon 3 of the JUP gene, results from an in-frame duplication of 15 nucleotides at nucleotide positions 542 to 556. This results in the duplication of 5 extra residues (GSPQL) between codons 181 and 185. This amino acid region is well conserved in available vertebrate species. In addition, this alteration is predicted to be deleterious by in silico analysis (Choi Y et al. PLoS ONE. 2012; 7(10):e46688). Based on the available evidence, the clinical significance of this variant remains unclear.

NM_002230.4(JUP):c.542_556dup (p.Gly181_Leu185dup)

Gene: JUP (junction plakoglobin; minus strand). Cytogenetic location: 17q21.2.
Variant type: Duplication.
Coding change: c.542_556dup on transcript NM_002230.4 (MANE Select); coding-DNA positions 542 to 556, 15 bases duplicated (GCTCGCCCCAGCTGG).
Protein change: p.Gly181_Leu185dup.
Molecular consequence: inframe insertion.
Genome position (GRCh38, 1-based): chr17:41,769,120-41,769,134, CCAGCTGGGGCGAGC duplicated on the plus strand (GCTCGCCCCAGCTGG on the coding strand, the reverse complement: JUP is on the minus strand); duplicating any 15 consecutive bases within chr17:41,769,120-41,769,137 gives the same sequence; the c. name uses the placement nearest the transcript's 3' end. VCF-style (leftmost placement, unchanged base first): chr17-41769119-A-ACCAGCTGGGGCGAGC. GRCh37 (hg19) VCF-style: chr17-39925371-A-ACCAGCTGGGGCGAGC.
Other names: c.542_556dup, p.Gly181_Leu185dup (NM_001352773.2, NM_001352774.2, NM_001352775.2 and 3 more transcripts); c.542_556dupGCTCGCCCCAGCTGG (NM_002230.2).
Identifiers: ClinVar variation 536628 (VCV000536628.9), dbSNP rs1555605296, ClinGen allele CA500207820.